The following continues an entry in ClinVar:

NM_000535.7(PMS2):c.823C>T (p.Gln275Ter)

Gene: PMS2. ClinVar aggregate classification (germline): Pathogenic. Pathogenic (19).

Submissions 11 to 21 of 21:

Quest Diagnostics Nichols Institute San Juan Capistrano
Classification: Pathogenic. Last evaluated: 2022-12-18. Review status: criteria provided, single submitter. Criteria: Quest Diagnostics criteria. Collection method: clinical testing. Allele origin: unknown.
Comment: This nonsense variant causes the premature termination of PMS2 protein synthesis. The frequency of this variant in the general population, 0.000008 (2/251410 chromosomes), is consistent with pathogenicity. In the published literature, the variant has been reported in individuals with Lynch syndrome (PMIDs: 31992580 (2020), 25512458 (2015), 23012243 (2013)). Based on the available information, this variant is classified as pathogenic.

GeneDx
Classification: Pathogenic. Last evaluated: 2022-08-05. Review status: criteria provided, single submitter. Criteria: GeneDx Variant Classification Process June 2021. Collection method: clinical testing. Allele origin: germline. Affected: yes.
Comment: Nonsense variant predicted to result in protein truncation or nonsense mediated decay in a gene for which loss-of-function is a known mechanism of disease; Truncating variants in this gene are considered pathogenic by a well-established clinical consortium; This variant is associated with the following publications: (PMID: 24689082, 26681312, 28514183, 26110232, 23012243, 25512458, 31992580, 31447099, 30787465, 33087929, 22848017)

Revvity Omics, Revvity
Classification: Pathogenic. Last evaluated: 2022-08-03. Review status: criteria provided, single submitter. Criteria: ACMG Guidelines, 2015. Collection method: clinical testing. Allele origin: germline.

MGZ Medical Genetics Center
Classification: Pathogenic for Lynch syndrome 4. Last evaluated: 2022-05-02. Review status: criteria provided, single submitter. Criteria: ACMG Guidelines, 2015. Collection method: clinical testing. Allele origin: germline. Affected: yes. Observed: 1 variant allele.
Comment: ACMG criteria applied: PVS1, PM3, PS4_SUP, PM2_SUP

HudsonAlpha Institute for Biotechnology
Classification: Pathogenic for Lynch syndrome 4. Last evaluated: 2021-04-26. Review status: criteria provided, single submitter. Criteria: ACMG Guidelines, 2015. Collection method: research. Allele origin: inherited. Observed: 1 variant allele. Study: CSER-SouthSeq.
Comment: ACMG codes:PVS1; PS4M; PM2; PP5

Women's Health and Genetics/Laboratory Corporation of America, LabCorp
Classification: Pathogenic for Hereditary nonpolyposis colon cancer. Last evaluated: 2020-10-28. Review status: criteria provided, single submitter. Criteria: LabCorp Variant Classification Summary - May 2015. Collection method: clinical testing. Allele origin: germline.
Comment: Variant summary: PMS2 c.823C>T (p.Gln275X) results in a premature termination codon, predicted to cause a truncation of the encoded protein or absence of the protein due to nonsense mediated decay, which are commonly known mechanisms for disease. Truncations downstream of this position have been classified as pathogenic by our laboratory. The variant allele was found at a frequency of 8e-06 in 251410 control chromosomes (gnomAD). c.823C>T has been reported in the literature in multiple individuals affected with colorectal cancer and Lynch syndrome (Yeung_2013, Hansen_2014, ten Broeke_2015, van der Klift_2016, Wang_2020). These data indicate that the variant is very likely to be associated with disease. To our knowledge, no experimental evidence demonstrating an impact on protein function has been reported. Six ClinVar submitters (evaluation after 2014) cite the variant as pathogenic. Based on the evidence outlined above, the variant was classified as pathogenic.

Laboratory for Molecular Medicine, Mass General Brigham Personalized Medicine
Classification: Pathogenic for Lynch syndrome. Last evaluated: 2019-10-14. Review status: criteria provided, single submitter. Criteria: ACMG Guidelines, 2015. Collection method: clinical testing. Allele origin: germline.
Comment: The p.Gln275X variant in PMS2 has been reported in at least 4 heterozygous individuals with PMS2-associated cancers and in 1 compound heterozygous individual with constitutive mismatch repair deficiency (Espenschied 2017, Susswein 2016, Suerink 2016, Hansen 2014, Vaughn 2013, Yeung 2013). This variant has been identified in 2/34590 of Latino chromosomes by gnomAD and has been reported in ClinVar (pathogenic by several clinical labs (ClinVar ID 127796). This nonsense variant leads to a premature termination codon at position 275, which is predicted to lead to a truncated or absent protein. Loss of function of the PMS2 gene is an established disease mechanism in autosomal dominant Lynch syndrome. In summary, this variant meets criteria to be classified as pathogenic for autosomal dominant Lynch syndrome. ACMG/AMP Criteria applied: PVS1, PM2, PS4_Supporting, PM3.

Fulgent Genetics
Classification: Pathogenic for Mismatch repair cancer syndrome 1; Lynch syndrome 4. Last evaluated: 2018-10-31. Review status: criteria provided, single submitter. Criteria: ACMG Guidelines, 2015. Collection method: clinical testing. Allele origin: unknown.

Human Genome Sequencing Center Clinical Lab, Baylor College of Medicine
Classification: Pathogenic for Lynch syndrome 4. Last evaluated: 2017-11-26. Review status: criteria provided, single submitter. Criteria: ACMG Guidelines, 2015. Collection method: clinical testing. Allele origin: germline.
Comment: This c.823C>T (p.Gln275*) variant in the PMS2 gene is predicted to introduce a premature translation termination codon. This variant has been reported in multiple patients with cancer (PMID: 22848017, 25512458, 24689082, 26681312). The c.823C>T (p.Gln275*) variant in the PMS2 gene is classified as pathogenic.

Diagnostic Laboratory, Department of Genetics, University Medical Center Groningen
Classification: Pathogenic. Review status: no assertion criteria provided. Collection method: clinical testing. Allele origin: germline. Affected: yes. Study: VKGL Data-share Consensus. Not counted in ClinVar's aggregate classification.

Joint Genome Diagnostic Labs from Nijmegen and Maastricht, Radboudumc and MUMC+
Classification: Pathogenic. Review status: no assertion criteria provided. Collection method: clinical testing. Allele origin: germline. Affected: yes. Study: VKGL Data-share Consensus. Not counted in ClinVar's aggregate classification.

Literature cited by the submitters: PubMed 21376568 (cited by Labcorp Genetics (formerly Invitae), Labcorp); PubMed 24362816 (cited by Labcorp Genetics (formerly Invitae), Labcorp); PubMed 23012243 (cited by 4 submitters); PubMed 24689082 (cited by 5 submitters); PubMed 26110232 (cited by 4 submitters); PubMed 22848017 (cited by 6 submitters); PubMed 25512458 (cited by 5 submitters); PubMed 26681312 (cited by Ambry Genetics and Laboratory for Molecular Medicine, Mass General Brigham Personalized Medicine); PubMed 29967336 (cited by Ambry Genetics); PubMed 27435373 (cited by 3 submitters); PubMed 28514183 (cited by All of Us Research Program, National Institutes of Health and Laboratory for Molecular Medicine, Mass General Brigham Personalized Medicine); PubMed 35223509 (cited by All of Us Research Program, National Institutes of Health); PubMed 31992580 (cited by 3 submitters).